The following is an entry in ClinVar:

ClinVar aggregate classification (germline): Uncertain significance (1 of 4 stars; one submission).

Allele frequency attached by ClinVar (database versions not stated): gnomAD exomes below 0.00001.

Submission:

Labcorp Genetics (formerly Invitae), Labcorp
Classification: Uncertain significance. Last evaluated: 2022-07-20. Review status: criteria provided, single submitter. Criteria: Invitae Variant Classification Sherloc (09022015). Collection method: clinical testing. Allele origin: germline.
Comment: This sequence change replaces leucine, which is neutral and non-polar, with phenylalanine, which is neutral and non-polar, at codon 94 of the DNASE2 protein (p.Leu94Phe). This variant is not present in population databases (gnomAD no frequency). This variant has not been reported in the literature in individuals affected with DNASE2-related conditions. Algorithms developed to predict the effect of missense changes on protein structure and function are either unavailable or do not agree on the potential impact of this missense change (SIFT: "Deleterious"; PolyPhen-2: "Probably Damaging"; Align-GVGD: "Class C0"). In summary, the available evidence is currently insufficient to determine the role of this variant in disease. Therefore, it has been classified as a Variant of Uncertain Significance.

NM_001375.3(DNASE2):c.280C>T (p.Leu94Phe)

Gene: DNASE2 (deoxyribonuclease 2, lysosomal; minus strand). Cytogenetic location: 19p13.13.
Variant type: single nucleotide variant.
Coding change: c.280C>T on transcript NM_001375.3 (MANE Select); coding-DNA position 280, C replaced by T.
Protein change: p.Leu94Phe; replaces leucine 94 with phenylalanine.
Molecular consequence: missense variant.
Genome position (GRCh38, 1-based): chr19:12,880,868, G>A on the plus strand (C>T on the coding strand, the complement: DNASE2 is on the minus strand). VCF-style: chr19-12880868-G-A. GRCh37 (hg19) VCF-style: chr19-12991682-G-A.
Other names: short protein forms L94F.
Identifiers: ClinVar variation 1959749 (VCV001959749.5), dbSNP rs2512551136, ClinGen allele CA404302439.